The following is an entry in ClinVar:

ClinVar aggregate classification (germline): Uncertain significance (1 of 4 stars; one submission).

Conditions:
Focal segmental glomerulosclerosis 5 (FSGS5). Identifiers: Orphanet 656, MedGen C2750475, MONDO:0013191, OMIM 613237.
Charcot-Marie-Tooth disease dominant intermediate E. Also called: CHARCOT-MARIE-TOOTH NEUROPATHY WITH FOCAL SEGMENTAL GLOMERULONEPHRITIS. Identifiers: Orphanet 93114, MedGen C4302667, MONDO:0013758, OMIM 614455.

Submission:

Labcorp Genetics (formerly Invitae), Labcorp
Classification: Uncertain significance for Charcot-Marie-Tooth disease dominant intermediate E; Focal segmental glomerulosclerosis 5. Last evaluated: 2024-06-25. Review status: criteria provided, single submitter. Criteria: Invitae Variant Classification Sherloc (09022015). Collection method: clinical testing. Allele origin: germline.
Comment: This sequence change replaces glycine, which is neutral and non-polar, with aspartic acid, which is acidic and polar, at codon 207 of the INF2 protein (p.Gly207Asp). This variant is not present in population databases (gnomAD no frequency). This variant has not been reported in the literature in individuals affected with INF2-related conditions. Advanced modeling of protein sequence and biophysical properties (such as structural, functional, and spatial information, amino acid conservation, physicochemical variation, residue mobility, and thermodynamic stability) performed at Invitae indicates that this missense variant is expected to disrupt INF2 protein function with a positive predictive value of 95%. In summary, the available evidence is currently insufficient to determine the role of this variant in disease. Therefore, it has been classified as a Variant of Uncertain Significance.

NM_022489.4(INF2):c.620G>A (p.Gly207Asp)

Gene: INF2 (inverted formin 2; plus strand). Cytogenetic location: 14q32.33.
Variant type: single nucleotide variant.
Coding change: c.620G>A on transcript NM_022489.4 (MANE Select); coding-DNA position 620, G replaced by A.
Protein change: p.Gly207Asp; replaces glycine 207 with aspartic acid.
Molecular consequence: missense variant. On other transcripts: non-coding transcript variant (1).
Genome position (GRCh38, 1-based): chr14:104,703,407, G>A. VCF-style: chr14-104703407-G-A. GRCh37 (hg19) VCF-style: chr14-105169744-G-A.
Other names: c.620G>A, p.Gly207Asp (NM_001426862.1, NM_001426863.1, NM_001426864.1 and 6 more transcripts); short protein forms G207D.
Identifiers: ClinVar variation 3753948 (VCV003753948.2).